The following is an entry in ClinVar:

NM_000257.4(MYH7):c.1762T>C (p.Tyr588His)

Gene: MYH7 (myosin heavy chain 7; minus strand). Cytogenetic location: 14q11.2.
Variant type: single nucleotide variant.
Coding change: c.1762T>C on transcript NM_000257.4 (MANE Select); coding-DNA position 1762, T replaced by C.
Protein change: p.Tyr588His; replaces tyrosine 588 with histidine.
Molecular consequence: missense variant.
Genome position (GRCh38, 1-based): chr14:23,427,711, A>G on the plus strand (T>C on the coding strand, the complement: MYH7 is on the minus strand). VCF-style: chr14-23427711-A-G. GRCh37 (hg19) VCF-style: chr14-23896920-A-G.
Other names: short protein forms Y588H.
Identifiers: ClinVar variation 1374589 (VCV001374589.6), dbSNP rs2138672162, ClinGen allele CA389049874.

ClinVar aggregate classification (germline): Uncertain significance (1 of 4 stars; one submission).

Conditions:
Hypertrophic cardiomyopathy. Also called: HYPERTROPHIC MYOCARDIOPATHY. Identifiers: Orphanet 217569, MedGen C0007194, MeSH D002312, MONDO:0005045, HP:0001639.

Submission:

Labcorp Genetics (formerly Invitae), Labcorp
Classification: Uncertain significance for Hypertrophic cardiomyopathy. Last evaluated: 2022-10-04. Review status: criteria provided, single submitter. Criteria: Invitae Variant Classification Sherloc (09022015). Collection method: clinical testing. Allele origin: germline.
Comment: In summary, the available evidence is currently insufficient to determine the role of this variant in disease. Therefore, it has been classified as a Variant of Uncertain Significance. This sequence change replaces tyrosine, which is neutral and polar, with histidine, which is basic and polar, at codon 588 of the MYH7 protein (p.Tyr588His). This variant is not present in population databases (gnomAD no frequency). This variant has not been reported in the literature in individuals affected with MYH7-related conditions. ClinVar contains an entry for this variant (Variation ID: 1374589). Advanced modeling of protein sequence and biophysical properties (such as structural, functional, and spatial information, amino acid conservation, physicochemical variation, residue mobility, and thermodynamic stability) performed at Invitae indicates that this missense variant is expected to disrupt MYH7 protein function.